The following is an entry in ClinVar:

NM_001360.3(DHCR7):c.1221C>A (p.Asn407Lys)

Gene: DHCR7 (7-dehydrocholesterol reductase; minus strand). Cytogenetic location: 11q13.4.
Variant type: single nucleotide variant.
Coding change: c.1221C>A on transcript NM_001360.3 (MANE Select); coding-DNA position 1221, C replaced by A.
Protein change: p.Asn407Lys; replaces asparagine 407 with lysine.
Molecular consequence: missense variant.
Genome position (GRCh38, 1-based): chr11:71,435,582, G>T on the plus strand (C>A on the coding strand, the complement: DHCR7 is on the minus strand). VCF-style: chr11-71435582-G-T. GRCh37 (hg19) VCF-style: chr11-71146628-G-T.
Other names: c.1221C>A, p.Asn407Lys (NM_001163817.2); short protein forms N407K.
Identifiers: ClinVar variation 993946 (VCV000993946.15), dbSNP rs1481450955, ClinGen allele CA381701409.

ClinVar aggregate classification (germline): Likely pathogenic. Review status: criteria provided, multiple submitters, no conflicts (2 of 4 stars). 2 submissions from 2 submitters: Likely pathogenic (2). Last evaluated 2023-08-31.

Conditions:
Smith-Lemli-Opitz syndrome (SLOS). Also called: POLYDACTYLY, SEX REVERSAL, RENAL HYPOPLASIA, AND UNILOBAR LUNG; RSH SYNDROME; RUTLEDGE LETHAL MULTIPLE CONGENITAL ANOMALY SYNDROME; LETHAL ACRODYSGENITAL SYNDROME; 7-Dehydrocholesterol reductase deficiency. Identifiers: Orphanet 818, MedGen C0175694, MONDO:0010035, OMIM 270400.

Allele frequency attached by ClinVar (database versions not stated): gnomAD 0.00001.
gnomAD v4.1: 3 of 1,611,316 alleles (0.00019%); highest among the groups gnomAD compares: Non-Finnish European, 0.00025%; no homozygotes.

Submissions (2):

Labcorp Genetics (formerly Invitae), Labcorp
Classification: Likely pathogenic for Smith-Lemli-Opitz syndrome. Last evaluated: 2023-08-31. Review status: criteria provided, single submitter. Criteria: Invitae Variant Classification Sherloc (09022015). Collection method: clinical testing. Allele origin: germline.
Comment: This sequence change replaces asparagine, which is neutral and polar, with lysine, which is basic and polar, at codon 407 of the DHCR7 protein (p.Asn407Lys). In summary, the currently available evidence indicates that the variant is pathogenic, but additional data are needed to prove that conclusively. Therefore, this variant has been classified as Likely Pathogenic. This variant disrupts the p.Asn407 amino acid residue in DHCR7. Other variant(s) that disrupt this residue have been determined to be pathogenic (PMID: 10602371, 12818773, 29455191). This suggests that this residue is clinically significant, and that variants that disrupt this residue are likely to be disease-causing. Advanced modeling of protein sequence and biophysical properties (such as structural, functional, and spatial information, amino acid conservation, physicochemical variation, residue mobility, and thermodynamic stability) performed at Invitae indicates that this missense variant is expected to disrupt DHCR7 protein function. ClinVar contains an entry for this variant (Variation ID: 993946). This variant has not been reported in the literature in individuals affected with DHCR7-related conditions. This variant is not present in population databases (gnomAD no frequency).

ARUP Laboratories, Molecular Genetics and Genomics, ARUP Laboratories
Classification: Likely pathogenic for Smith-Lemli-Opitz syndrome. Last evaluated: 2019-12-05. Review status: criteria provided, single submitter. Criteria: ARUP Molecular Germline Variant Investigation Process. Collection method: clinical testing. Allele origin: germline.
Comment: The DHCR7 c.1221C>A; p.Asn407Lys variant (rs1481450955) is reported in the literature in the compound heterozygous state in an individual affected with Smith-Lemli-Opitz syndrome (Furtado 2016). This variant is absent from general population databases (Exome Variant Server, Genome Aggregation Database), indicating it is not a common polymorphism. The asparagine at codon 407 is highly conserved, and computational analyses (SIFT, PolyPhen-2) predict that this variant is deleterious. Additionally, other amino acid substitutions at this codon (p.Asn407Ser, p.Asn407Tyr) have been reported in individuals with Smith-Lemli-Opitz syndrome and are considered disease-causing (De Brasi 1999, Donoghue 2018). Based on available information, the p.Asn407Lys variant is considered to be likely pathogenic. References: De Brasi D et al. Smith-Lemli-Opitz syndrome: evidence of T93M as a common mutation of delta7-sterol reductase in Italy and report of three novel mutations. Eur J Hum Genet. 1999 Dec;7(8):937-40. Donoghue SE et al. Smith-Lemli-Opitz syndrome: clinical and biochemical correlates. J Pediatr Endocrinol Metab. 2018 Mar 28;31(4):451-459. Furtado LV et al. Disorders of sterol biosynthesis. Transl Sci Rare Dis. 2016 Nov 7;1(2):142-182.

Literature cited by the submitters: PubMed 10602371 (cited by Labcorp Genetics (formerly Invitae), Labcorp); PubMed 12818773 (cited by Labcorp Genetics (formerly Invitae), Labcorp); PubMed 29455191 (cited by Labcorp Genetics (formerly Invitae), Labcorp).